The following is an entry in ClinVar:

NM_004036.5(ADCY3):c.969C>T (p.Ala323=)

Gene: ADCY3 (adenylate cyclase 3; minus strand). Cytogenetic location: 2p23.3.
Variant type: single nucleotide variant.
Coding change: c.969C>T on transcript NM_004036.5 (MANE Select); coding-DNA position 969, C replaced by T.
Protein change: p.Ala323=; no amino-acid change (alanine 323 retained).
Molecular consequence: synonymous variant.
Genome position (GRCh38, 1-based): chr2:24,841,655, G>A on the plus strand (C>T on the coding strand, the complement: ADCY3 is on the minus strand). VCF-style: chr2-24841655-G-A. GRCh37 (hg19) VCF-style: chr2-25064524-G-A.
Other names: c.969C>T, p.Ala323= (NM_001320613.2, NM_001377128.1, NM_001377129.1 and 2 more transcripts); c.246C>T, p.Ala82= (NM_001377131.1).
Identifiers: ClinVar variation 3055227 (VCV003055227.2), dbSNP rs949471026, ClinGen allele CA43638870.

ClinVar aggregate classification (germline): Likely benign (0 of 4 stars; one submission).

Conditions:
ADCY3-related disorder. Also called: ADCY3-related condition.

Allele frequency attached by ClinVar (database versions not stated): gnomAD exomes 0.00001; gnomAD 0.00004.
gnomAD v4.1: 20 of 1,613,476 alleles (0.0012%); highest among the groups gnomAD compares: African/African-American, 0.0093%; no homozygotes.

Submission:

PreventionGenetics, part of Exact Sciences
Classification: Likely benign for ADCY3-related condition. Last evaluated: 2023-08-21. Review status: no assertion criteria provided. Collection method: clinical testing. Allele origin: germline.
Comment: This variant is classified as likely benign based on ACMG/AMP sequence variant interpretation guidelines (Richards et al. 2015 PMID: 25741868, with internal and published modifications).